The following is an entry in ClinVar:

ClinVar aggregate classification (germline): Benign/Likely benign. Review status: criteria provided, multiple submitters, no conflicts (2 of 4 stars). 4 submissions from 4 submitters: Benign (2); Likely benign (2). Last evaluated 2026-07-29.

Conditions:
LMF1-related disorder. Also called: LMF1-related condition.
Cardiovascular phenotype. Identifiers: MedGen CN230736.

Allele frequency attached by ClinVar (database versions not stated): gnomAD exomes 0.00220; ExAC 0.00239; TOPMed 0.00091; 1000 Genomes Project 30x 0.00094; 1000 Genomes Project 0.00120; ESP Exome Variant Server 0.00134; gnomAD 0.00192 and 0.00195.
gnomAD v4.1: 3,015 of 1,612,536 alleles (0.19%); highest among the groups gnomAD compares: South Asian, 0.3%; 16 homozygotes.

Submissions (4):

PreventionGenetics, part of Exact Sciences
Classification: Likely benign for LMF1-related condition. Last evaluated: 2026-07-29. Review status: criteria provided, single submitter. Criteria: ACMG Guidelines, 2015. Collection method: clinical testing. Allele origin: germline.
Comment: This variant is classified as likely benign based on ACMG/AMP sequence variant interpretation guidelines (Richards et al. 2015 PMID: 25741868, with internal and published modifications).

Labcorp Genetics (formerly Invitae), Labcorp
Classification: Benign. Last evaluated: 2025-12-24. Review status: criteria provided, single submitter. Criteria: Invitae Variant Classification Sherloc (09022015). Collection method: clinical testing. Allele origin: germline.

Mayo Clinic Laboratories, Mayo Clinic
Classification: Likely benign. Last evaluated: 2025-06-16. Review status: criteria provided, single submitter. Criteria: ACMG Guidelines, 2015. Collection method: clinical testing. Allele origin: germline. Observed: 1 variant allele.
Comment: BS1, BP4, BP7

Ambry Genetics
Classification: Benign for Cardiovascular phenotype. Last evaluated: 2022-02-14. Review status: criteria provided, single submitter. Criteria: Ambry Variant Classification Scheme 2023. Collection method: clinical testing. Allele origin: germline.

Literature cited by the submitters: PubMed 36325899 (cited by Mayo Clinic Laboratories, Mayo Clinic).

NM_022773.4(LMF1):c.1473C>T (p.Asp491=)

Gene: LMF1 (lipase maturation factor 1; minus strand). Cytogenetic location: 16p13.3.
Variant type: single nucleotide variant.
Coding change: c.1473C>T on transcript NM_022773.4 (MANE Select); coding-DNA position 1473, C replaced by T.
Protein change: p.Asp491=; no amino-acid change (aspartic acid 491 retained).
Molecular consequence: synonymous variant. On other transcripts: missense variant (1), non-coding transcript variant (1).
Genome position (GRCh38, 1-based): chr16:869,000, G>A on the plus strand (C>T on the coding strand, the complement: LMF1 is on the minus strand). VCF-style: chr16-869000-G-A. GRCh37 (hg19) VCF-style: chr16-919000-G-A.
Other names: p.Asp491=; c.822C>T, p.Asp274= (NM_001352017.2, NM_001352021.2); c.1074C>T, p.Asp358= (NM_001352018.2); c.1146C>T, p.Asp382= (NM_001352019.2); c.1393C>T, p.Arg465Cys (NM_001352020.1); short protein forms R465C.
Identifiers: ClinVar variation 786832 (VCV000786832.14), dbSNP rs62012416, ClinGen allele CA7796957.